The following is an entry in ClinVar:

NM_012186.3(FOXE3):c.143G>C (p.Arg48Pro)

Genes: FOXE3 (forkhead box E3; plus strand), LINC01389 (long intergenic non-protein coding RNA 1389; minus strand). Cytogenetic location: 1p33.
Variant type: single nucleotide variant.
Coding change: c.143G>C on transcript NM_012186.3 (MANE Select); coding-DNA position 143, G replaced by C.
Protein change: p.Arg48Pro; replaces arginine 48 with proline.
Molecular consequence: missense variant.
Genome position (GRCh38, 1-based): chr1:47,416,458, G>C. VCF-style: chr1-47416458-G-C. GRCh37 (hg19) VCF-style: chr1-47882130-G-C.
Other names: short protein forms R48P.
Identifiers: ClinVar variation 2448364 (VCV002448364.2), dbSNP rs1646883018, ClinGen allele CA340249121.

ClinVar aggregate classification (germline): Uncertain significance (1 of 4 stars; one submission).

Conditions:
Cardiovascular phenotype. Identifiers: MedGen CN230736.

Submission:

Ambry Genetics
Classification: Uncertain significance for Cardiovascular phenotype. Last evaluated: 2023-01-16. Review status: criteria provided, single submitter. Criteria: Ambry Variant Classification Scheme 2023. Collection method: clinical testing. Allele origin: germline.
Comment: The p.R48P variant (also known as c.143G>C), located in coding exon 1 of the FOXE3 gene, results from a G to C substitution at nucleotide position 143. The arginine at codon 48 is replaced by proline, an amino acid with dissimilar properties. This amino acid position is conserved. In addition, this alteration is predicted to be tolerated by in silico analysis. Since supporting evidence is limited at this time, the clinical significance of this alteration remains unclear.